The following is an entry in ClinVar:

NM_002473.6(MYH9):c.420C>T (p.Gly140=)

Gene: MYH9 (myosin heavy chain 9; minus strand). Cytogenetic location: 22q12.3.
Variant type: single nucleotide variant.
Coding change: c.420C>T on transcript NM_002473.6 (MANE Select); coding-DNA position 420, C replaced by T.
Protein change: p.Gly140=; no amino-acid change (glycine 140 retained).
Molecular consequence: synonymous variant.
Genome position (GRCh38, 1-based): chr22:36,341,440, G>A on the plus strand (C>T on the coding strand, the complement: MYH9 is on the minus strand). VCF-style: chr22-36341440-G-A. GRCh37 (hg19) VCF-style: chr22-36737485-G-A.
Other names: c.420C>T (NM_002473.5).
Identifiers: ClinVar variation 341534 (VCV000341534.6), dbSNP rs372621048, ClinGen allele CA10210644.

ClinVar aggregate classification (germline): Uncertain significance. Review status: criteria provided, multiple submitters, no conflicts (2 of 4 stars). 3 submissions from 2 submitters: Uncertain significance (3). Last evaluated 2026-04-21.

Conditions:
MYH9-related disorder. Identifiers: MedGen C1854520.
Autosomal dominant nonsyndromic hearing loss 17. Also called: Deafness, autosomal dominant 17; Autosomal dominant nonsyndromic deafness 17. Identifiers: Orphanet 90635, MedGen C1863659, MONDO:0011350, OMIM 603622.

Allele frequency attached by ClinVar (database versions not stated): gnomAD exomes below 0.00001; ExAC 0.00001; gnomAD 0.00001; ESP Exome Variant Server 0.00008.
gnomAD v4.1: 2 of 1,614,064 alleles (0.00012%); highest among the groups gnomAD compares: Non-Finnish European, 0.00017%; no homozygotes.

Submissions (3):

PreventionGenetics, part of Exact Sciences
Classification: Uncertain significance for MYH9-related condition. Last evaluated: 2026-04-21. Review status: criteria provided, single submitter. Criteria: ACMG Guidelines, 2015. Collection method: clinical testing. Allele origin: germline.
Comment: The MYH9 c.420C>T variant is not predicted to result in an amino acid change (p.=). This variant is predicted to impact splicing based on available splicing prediction programs (SpliceAI, Jaganathan et al. 2019. PubMed ID: 30661751). To our knowledge, this variant has not been reported in the literature. This variant is reported in 0.00088% of alleles in individuals of European (Non-Finnish) descent in gnomAD. At this time, the clinical significance of this variant is uncertain due to the absence of conclusive functional and genetic evidence.

Illumina Laboratory Services, Illumina
Classification: Uncertain significance for Autosomal dominant nonsyndromic hearing loss 17. Last evaluated: 2018-01-12. Review status: criteria provided, single submitter. Criteria: ICSL Variant Classification Criteria 13 December 2019. Collection method: clinical testing. Allele origin: germline.

Illumina Laboratory Services, Illumina
Classification: Uncertain significance for MYH9-related disorder. Last evaluated: 2018-01-12. Review status: criteria provided, single submitter. Criteria: ICSL Variant Classification Criteria 13 December 2019. Collection method: clinical testing. Allele origin: germline.